The following is an entry in ClinVar:

NC_000017.11:g.(?_31155973)_(31265349_?)dup

Gene: NF1 (neurofibromin 1; plus strand). Cytogenetic location: 17q11.2.
Variant type: Duplication.
Identifiers: ClinVar variation 831854 (VCV000831854.1).

ClinVar aggregate classification (germline): Pathogenic (1 of 4 stars; one submission).

Conditions:
Neurofibromatosis, type 1 (NF1). Also called: Neurofibromatosis, type I; Peripheral type neurofibromatosis; VON RECKLINGHAUSEN DISEASE; NEUROFIBROMATOSIS, TYPE I, SOMATIC. Identifiers: Orphanet 636, MedGen C0027831, MONDO:0018975, OMIM 162200. Disease mechanism: loss of function.

Submission:

Labcorp Genetics (formerly Invitae), Labcorp
Classification: Pathogenic for Neurofibromatosis, type 1. Last evaluated: 2019-11-02. Review status: criteria provided, single submitter. Criteria: Invitae Variant Classification Sherloc (09022015). Collection method: clinical testing. Allele origin: germline.
Comment: This variant results in a copy number gain of the genomic region encompassing exons 2-35 of the NF1 gene. While the exact position of this variant cannot be determined from this data, sub-genic copy number gains are generally in tandem (PMID: 25640679) and may result in an absent or disrupted protein product. This variant has been observed in individual(s) with clinical features of neurofibromatosis type 1 (Invitae). Loss-of-function variants in NF1 are known to be pathogenic (PMID: 10712197, 23913538). For these reasons, this variant has been classified as Pathogenic.